The following is an entry in ClinVar:

NM_001367479.1(DNAH14):c.7610_7613del (p.Lys2537fs)

Gene: DNAH14 (dynein axonemal heavy chain 14; plus strand). Cytogenetic location: 1q42.12.
Variant type: Deletion.
Coding change: c.7610_7613del on transcript NM_001367479.1 (MANE Select); coding-DNA positions 7610 to 7613, 4 bases deleted (AACA; older notation c.7610_7613delAACA).
Protein change: p.Lys2537fs; shifts the reading frame from lysine 2537.
Molecular consequence: frameshift variant.
Genome position (GRCh38, 1-based): chr1:225,270,805-225,270,808, AACA deleted; deleting any 4 consecutive bases within chr1:225,270,803-225,270,808 gives the same sequence; the c. name uses the placement nearest the transcript's 3' end. VCF-style (leftmost placement, unchanged base first): chr1-225270802-TCAAA-T. GRCh37 (hg19) VCF-style: chr1-225458504-TCAAA-T.
Other names: short protein forms K2537fs.
Identifiers: ClinVar variation 1341944 (VCV001341944.4), dbSNP rs549616863, ClinGen allele CA1416347.

ClinVar aggregate classification (germline): Uncertain significance. Review status: criteria provided, multiple submitters, no conflicts (2 of 4 stars). 3 submissions from 3 submitters: Uncertain significance (3). Last evaluated 2026-02-05.

Submissions (3):

Dasa
Classification: Uncertain significance. Last evaluated: 2026-02-05. Review status: criteria provided, single submitter. Criteria: DASA Assertion Criteria. Collection method: clinical testing. Allele origin: germline.
Comment: NM_001367479.1(DNAH14):c.7610_7613del (p.Lys2537Thrfs*43) is a frameshift variant in DNAH14 predicted to alter the reading frame and introduce a premature termination codon. This classification is supported by population frequency inconsistent with a disease-causing role. The currently available literature and clinical evidence are not sufficient to establish a definitive association between this variant and the reported condition. Therefore, this variant is classified as a variant of uncertain significance.

Greenwood Genetic Center Diagnostic Laboratories, Greenwood Genetic Center
Classification: Uncertain significance. Last evaluated: 2023-08-01. Review status: criteria provided, single submitter. Criteria: ACMG Guidelines, 2015. Collection method: clinical testing. Allele origin: germline. Affected: yes.
Comment: Gene of Uncertain Significance

New York Genome Center
Classification: Uncertain significance. Last evaluated: 2020-05-29. Review status: criteria provided, single submitter. Criteria: NYGC Assertion Criteria 2020. Collection method: clinical testing. Allele origin: germline. Observed: 1 heterozygote. Study: CSER-NYCKidSeq.